The following is an entry in ClinVar:

NM_007118.4(TRIO):c.2718C>T (p.Cys906=)

Gene: TRIO (trio Rho guanine nucleotide exchange factor; plus strand). Cytogenetic location: 5p15.2.
Variant type: single nucleotide variant.
Coding change: c.2718C>T on transcript NM_007118.4 (MANE Select); coding-DNA position 2718, C replaced by T.
Protein change: p.Cys906=; no amino-acid change (cysteine 906 retained).
Molecular consequence: synonymous variant. On other transcripts: non-coding transcript variant (1).
Genome position (GRCh38, 1-based): chr5:14,364,780, C>T. VCF-style: chr5-14364780-C-T. GRCh37 (hg19) VCF-style: chr5-14364889-C-T.
Identifiers: ClinVar variation 4986612 (VCV004986612.1).
Genomic context (GRCh38, chr5:14,364,780, plus strand): 5'-TGAAAAACAGCAGGAATTGGATTTAGCCGCAGAGCAGCATCGGAAACACCTGGAGCAGTG[C>T]GTGCAGCTGCGCCACCTGCAGGCAGAAGTGAAACAGGTGAGCAAACGACTGGATGCTTGG-3'
Protein context (NP_009049.2, residues 896-916): AEQHRKHLEQ[Cys906=]VQLRHLQAEV

ClinVar aggregate classification (germline): Likely benign (1 of 4 stars; one submission).

Conditions:
TRIO-related disorder. Also called: TRIO-related disorders; TRIO-related condition.

gnomAD v4.1: 11 of 1,611,382 alleles (0.00068%); highest among the groups gnomAD compares: East Asian, 0.0067%; no homozygotes.

Submission:

PreventionGenetics, part of Exact Sciences
Classification: Likely benign for TRIO-related condition. Last evaluated: 2025-12-04. Review status: criteria provided, single submitter. Criteria: ACMG Guidelines, 2015. Collection method: clinical testing. Allele origin: germline.
Comment: This variant is classified as likely benign based on ACMG/AMP sequence variant interpretation guidelines (Richards et al. 2015 PMID: 25741868, with internal and published modifications).